The following is an entry in ClinVar:

NM_001369.3(DNAH5):c.1411G>T (p.Gly471Ter)

Gene: DNAH5 (dynein axonemal heavy chain 5; minus strand). Cytogenetic location: 5p15.2.
Variant type: single nucleotide variant.
Coding change: c.1411G>T on transcript NM_001369.3 (MANE Select); coding-DNA position 1411, G replaced by T.
Protein change: p.Gly471Ter; replaces glycine 471 with a stop codon.
Molecular consequence: nonsense.
Genome position (GRCh38, 1-based): chr5:13,913,868, C>A on the plus strand (G>T on the coding strand, the complement: DNAH5 is on the minus strand). VCF-style: chr5-13913868-C-A. GRCh37 (hg19) VCF-style: chr5-13913977-C-A.
Other names: short protein forms G471*.
Identifiers: ClinVar variation 1726959 (VCV001726959.2), dbSNP rs2547127397, ClinGen allele CA359214112.
Genomic context (GRCh38, chr5:13,913,868, plus strand): 5'-TGAGGGTTGTAAAGATGTCTATTATCTTGGCAAGGCGTCGGTGAAAAGTTTCGAATTTTC[C>A]AAAAATATACATCTCGCTAAAATCAAATTGTTTTGCATTTGGATTTTGTTTAAGCTTTTG-3'

ClinVar aggregate classification (germline): Likely pathogenic (1 of 4 stars; one submission).

Conditions:
Primary ciliary dyskinesia 3. Identifiers: Orphanet 244, MedGen C1837618, MONDO:0012085, OMIM 608644.

Submission:

Myriad Genetics, Inc.
Classification: Likely pathogenic for Primary ciliary dyskinesia 3. Last evaluated: 2022-01-02. Review status: criteria provided, single submitter. Criteria: Myriad Women's Health Autosomal Recessive and X-Linked Classification Criteria (2021). Collection method: clinical testing. Allele origin: unknown.
Comment: NM_001369.2(DNAH5):c.1411G>T(G471*) is expected to be pathogenic in the context of DNAH5-related primary ciliary dyskinesia. This variant is predicted to lead to an abnormal or absent protein product due to the creation of a premature termination codon in DNAH5, a gene where loss-of-function variants are known to be pathogenic. Please note: this variant was assessed in the context of healthy population screening.